The following is an entry in ClinVar:

ClinVar aggregate classification (germline): Pathogenic. Review status: criteria provided, multiple submitters, no conflicts (2 of 4 stars). 2 submissions from 2 submitters: Pathogenic (2). Last evaluated 2024-02-26.

Allele frequency attached by ClinVar (database versions not stated): gnomAD 0.00001; TOPMed 0.00001; ExAC 0.00002; gnomAD exomes 0.00002; ESP Exome Variant Server 0.00009.

Submissions (2):

Labcorp Genetics (formerly Invitae), Labcorp
Classification: Pathogenic. Last evaluated: 2024-02-26. Review status: criteria provided, single submitter. Criteria: Invitae Variant Classification Sherloc (09022015). Collection method: clinical testing. Allele origin: germline.
Comment: This sequence change creates a premature translational stop signal (p.Leu2542Thrfs*26) in the MYO15A gene. It is expected to result in an absent or disrupted protein product. Loss-of-function variants in MYO15A are known to be pathogenic (PMID: 17546645). This variant is present in population databases (rs758557098, gnomAD 0.007%). This variant has not been reported in the literature in individuals affected with MYO15A-related conditions. ClinVar contains an entry for this variant (Variation ID: 2418105). For these reasons, this variant has been classified as Pathogenic.

GeneDx
Classification: Pathogenic. Last evaluated: 2023-06-06. Review status: criteria provided, single submitter. Criteria: GeneDx Variant Classification Process June 2021. Collection method: clinical testing. Allele origin: germline. Affected: yes.
Comment: Frameshift variant predicted to result in protein truncation or nonsense mediated decay in a gene for which loss-of-function is a known mechanism of disease; Not observed at a significant frequency in large population cohorts (gnomAD); Has not been previously published as pathogenic or benign to our knowledge

Literature cited by the submitters: PubMed 17546645 (cited by Labcorp Genetics (formerly Invitae), Labcorp).

NM_016239.4(MYO15A):c.7623_7624insA (p.Leu2542fs)

Gene: MYO15A (myosin XVA; plus strand). Cytogenetic location: 17p11.2.
Variant type: Insertion.
Coding change: c.7623_7624insA on transcript NM_016239.4 (MANE Select); coding-DNA positions 7623 to 7624, A inserted.
Protein change: p.Leu2542fs; shifts the reading frame from leucine 2542.
Molecular consequence: frameshift variant.
Genome position: GRCh38 VCF-style: chr17-18151259-T-TA. GRCh37 (hg19) VCF-style: chr17-18054573-T-TA.
Other names: c.7623_7624insA (NM_016239.3); short protein forms L2542fs.
Identifiers: ClinVar variation 2418105 (VCV002418105.7), dbSNP rs758557098, ClinGen allele CA8424893.